The following is an entry in ClinVar:

ClinVar aggregate classification (germline): Benign/Likely benign. Review status: criteria provided, multiple submitters, no conflicts (2 of 4 stars). 7 submissions from 6 submitters: Benign (4); Likely benign (3). Last evaluated 2026-01-19.

Conditions:
Glaucoma 1, open angle, E. Identifiers: MedGen C1842026, MONDO:0007665.
Amyotrophic lateral sclerosis type 12 (ALS12). Also called: AMYOTROPHIC LATERAL SCLEROSIS 12 WITH OR WITHOUT FRONTOTEMPORAL DEMENTIA. Identifiers: Orphanet 803, MedGen C3150692, MONDO:0013264, OMIM 613435.
Primary open angle glaucoma (POAG). Also called: OPTN-related open angle glaucoma. Identifiers: MedGen C0339573, MONDO:0100553, OMIM 137760.
Inborn genetic diseases. Identifiers: MedGen C0950123, MeSH D030342.

Allele frequency attached by ClinVar (database versions not stated): gnomAD exomes 0.00133; ExAC 0.00151; ESP Exome Variant Server 0.00400; 1000 Genomes Project 0.00419; 1000 Genomes Project 30x 0.00468; gnomAD 0.00491 and 0.00525; TOPMed 0.00562.
gnomAD v4.1: 1,488 of 1,612,530 alleles (0.092%); highest among the groups gnomAD compares: African/African-American, 1.7%; 18 homozygotes.

Submissions (7):

Labcorp Genetics (formerly Invitae), Labcorp
Classification: Benign for Primary open angle glaucoma; Glaucoma 1, open angle, E; Amyotrophic lateral sclerosis type 12. Last evaluated: 2026-01-19. Review status: criteria provided, single submitter. Criteria: Invitae Variant Classification Sherloc (09022015). Collection method: clinical testing. Allele origin: germline.

Mayo Clinic Laboratories, Mayo Clinic
Classification: Benign. Last evaluated: 2025-03-03. Review status: criteria provided, single submitter. Criteria: ACMG Guidelines, 2015. Collection method: clinical testing. Allele origin: germline. Observed: 3 variant alleles.
Comment: BA1, BS2, BP4, BP7

GeneDx
Classification: Likely benign. Last evaluated: 2020-07-24. Review status: criteria provided, single submitter. Criteria: GeneDx Variant Classification Process June 2021. Collection method: clinical testing. Allele origin: germline. Affected: yes.
Comment: This variant is associated with the following publications: (PMID: 19096531, 21550138, 17293779)

Ambry Genetics
Classification: Likely benign for Inborn genetic diseases. Last evaluated: 2019-07-11. Review status: criteria provided, single submitter. Criteria: Ambry Variant Classification Scheme 2023. Collection method: clinical testing. Allele origin: germline.

Illumina Laboratory Services, Illumina
Classification: Benign for Primary open angle glaucoma. Last evaluated: 2018-01-13. Review status: criteria provided, single submitter. Criteria: ICSL Variant Classification Criteria 13 December 2019. Collection method: clinical testing. Allele origin: germline.
Comment: This variant was observed in the ICSL laboratory as part of a predisposition screen in an ostensibly healthy population. It had not been previously curated by ICSL or reported in the Human Gene Mutation Database (HGMD: prior to June 1st, 2018), and was therefore a candidate for classification through an automated scoring system. Utilizing variant allele frequency, disease prevalence and penetrance estimates, and inheritance mode, an automated score was calculated to assess if this variant is too frequent to cause the disease. Based on the score and internal cut-off values, a variant classified as benign is not then subjected to further curation. The score for this variant resulted in a classification of benign for this disease.

Illumina Laboratory Services, Illumina
Classification: Benign for Amyotrophic lateral sclerosis type 12. Last evaluated: 2018-01-13. Review status: criteria provided, single submitter. Criteria: ICSL Variant Classification Criteria 13 December 2019. Collection method: clinical testing. Allele origin: germline.
Comment: the same text as in the submission from Illumina Laboratory Services, Illumina above.

Breakthrough Genomics
Classification: Likely benign. Review status: criteria provided, single submitter. Criteria: ACMG Guidelines, 2015. Collection method: not provided. Allele origin: germline. Inheritance: Autosomal recessive inheritance. Affected: yes.

Literature cited by the submitters: PubMed 19096531 (cited by Mayo Clinic Laboratories, Mayo Clinic).

NM_001008212.2(OPTN):c.963C>T (p.Ser321=)

Gene: OPTN (optineurin; plus strand). Cytogenetic location: 10p13.
Variant type: single nucleotide variant.
Coding change: c.963C>T on transcript NM_001008212.2 (MANE Select); coding-DNA position 963, C replaced by T.
Protein change: p.Ser321=; no amino-acid change (serine 321 retained).
Molecular consequence: synonymous variant.
Genome position (GRCh38, 1-based): chr10:13,124,075, C>T. VCF-style: chr10-13124075-C-T. GRCh37 (hg19) VCF-style: chr10-13166075-C-T.
Other names: p.Ser321=; c.963C>T, p.Ser321= (NM_001008211.1, NM_001008213.1, NM_021980.4).
Identifiers: ClinVar variation 299218 (VCV000299218.19), dbSNP rs150381274, ClinGen allele CA5410815.